The following is an entry in ClinVar:

ClinVar aggregate classification (germline): Likely benign (1 of 4 stars; one submission).

gnomAD v4.1: 37 of 1,614,212 alleles (0.0023%); highest among the groups gnomAD compares: East Asian, 0.06%; no homozygotes.

Submission:

Center for Genomic Medicine, Rigshospitalet, Copenhagen University Hospital
Classification: Likely benign. Last evaluated: 2025-03-04. Review status: criteria provided, single submitter. Criteria: ACMG Guidelines, 2015. Collection method: clinical testing. Allele origin: germline.
Comment: Classification criteria: BP4

NM_000245.4(MET):c.3935+26C>T

Gene: MET (MET proto-oncogene, receptor tyrosine kinase; plus strand). Cytogenetic location: 7q31.2.
Variant type: single nucleotide variant.
Coding change: c.3935+26C>T on transcript NM_000245.4 (MANE Select); 26 bases into the intron after coding-DNA position 3935, C replaced by T.
Molecular consequence: intron variant.
Genome position (GRCh38, 1-based): chr7:116,795,817, C>T. VCF-style: chr7-116795817-C-T. GRCh37 (hg19) VCF-style: chr7-116435871-C-T.
Other names: c.3989+26C>T (NM_001127500.3); c.2645+26C>T (NM_001324402.2).
Identifiers: ClinVar variation 3765445 (VCV003765445.1).